The following is an entry in ClinVar:

NM_007194.4(CHEK2):c.847-10del

Gene: CHEK2 (checkpoint kinase 2; minus strand). Cytogenetic location: 22q12.1.
Variant type: Deletion.
Coding change: c.847-10del on transcript NM_007194.4 (MANE Select); 10 bases into the intron before coding-DNA position 847, one base deleted (C; older notation c.847-10delC).
Molecular consequence: intron variant.
Genome position (GRCh38, 1-based): chr22:28,703,576, G deleted on the plus strand (C on the coding strand, the reverse complement: CHEK2 is on the minus strand); the first of 5 consecutive G bases (chr22:28,703,576-28,703,580); deleting any one gives the same sequence. VCF-style (leftmost placement, unchanged base first): chr22-28703575-AG-A. GRCh37 (hg19) VCF-style: chr22-29099563-AG-A.
Other names: c.847-10delC (NM_007194.3); c.184-10del (NM_001437942.1, NM_001257387.3); c.646-10del (NM_001349956.3); c.847-10del (NM_145862.3); c.940-10del (NM_001438295.1, NM_001438293.1); c.976-10del (NM_001438294.1, NM_001005735.3).
Identifiers: ClinVar variation 415928 (VCV000415928.15), dbSNP rs1060504694, ClinGen allele CA16616559.

ClinVar aggregate classification (germline): Likely benign. Review status: criteria provided, multiple submitters, no conflicts (2 of 4 stars). 2 submissions from 2 submitters: Likely benign (2). Last evaluated 2025-11-05.

Conditions:
Familial cancer of breast. Also called: Hereditary breast cancer; BREAST CANCER, FAMILIAL; hereditary breast carcinoma. Identifiers: Orphanet 227535, MedGen C0346153, MONDO:0016419, OMIM 114480. Disease mechanism: loss of function.

Submissions (2):

Labcorp Genetics (formerly Invitae), Labcorp
Classification: Likely benign for Familial cancer of breast. Last evaluated: 2025-11-05. Review status: criteria provided, single submitter. Criteria: Invitae Variant Classification Sherloc (09022015). Collection method: clinical testing. Allele origin: germline.

Myriad Genetics, Inc.
Classification: Likely benign for Familial cancer of breast. Last evaluated: 2024-10-03. Review status: criteria provided, single submitter. Criteria: Myriad Autosomal Dominant, Autosomal Recessive and X-Linked Classification Criteria (2023). Collection method: clinical testing. Allele origin: unknown.
Comment: This variant is considered likely benign. This variant is intronic and is not expected to impact mRNA splicing.